The following is an entry in ClinVar:

ClinVar aggregate classification (germline): Uncertain significance. Review status: criteria provided, multiple submitters, no conflicts (2 of 4 stars). 2 submissions from 2 submitters: Uncertain significance (2). Last evaluated 2024-11-21.

Conditions:
Inborn genetic diseases. Identifiers: MedGen C0950123, MeSH D030342.
Perlman syndrome (PRLMNS). Identifiers: Orphanet 2849, MedGen C0796113, MONDO:0009965, OMIM 267000.

Allele frequency attached by ClinVar (database versions not stated): gnomAD 0.00001; gnomAD exomes 0.00001 and 0.00002; TOPMed 0.00001; ExAC 0.00002; ESP Exome Variant Server 0.00008.
gnomAD v4.1: 13 of 1,613,872 alleles (0.00081%); highest among the groups gnomAD compares: East Asian, 0.022%; no homozygotes.

Submissions (2):

Ambry Genetics
Classification: Uncertain significance for Inborn genetic diseases. Last evaluated: 2024-11-21. Review status: criteria provided, single submitter. Criteria: Ambry Variant Classification Scheme 2023. Collection method: clinical testing. Allele origin: germline.

Labcorp Genetics (formerly Invitae), Labcorp
Classification: Uncertain significance for Perlman syndrome. Last evaluated: 2023-06-06. Review status: criteria provided, single submitter. Criteria: Invitae Variant Classification Sherloc (09022015). Collection method: clinical testing. Allele origin: germline.
Comment: This sequence change replaces aspartic acid, which is acidic and polar, with glycine, which is neutral and non-polar, at codon 140 of the DIS3L2 protein (p.Asp140Gly). This variant is present in population databases (rs367831290, gnomAD 0.02%). This variant has not been reported in the literature in individuals affected with DIS3L2-related conditions. ClinVar contains an entry for this variant (Variation ID: 531912). An algorithm developed to predict the effect of missense changes on protein structure and function (PolyPhen-2) suggests that this variant is likely to be tolerated. In summary, the available evidence is currently insufficient to determine the role of this variant in disease. Therefore, it has been classified as a Variant of Uncertain Significance.

NM_152383.5(DIS3L2):c.419A>G (p.Asp140Gly)

Gene: DIS3L2 (DIS3 like 3'-5' exoribonuclease 2; plus strand). Cytogenetic location: 2q37.1.
Variant type: single nucleotide variant.
Coding change: c.419A>G on transcript NM_152383.5 (MANE Select); coding-DNA position 419, A replaced by G.
Protein change: p.Asp140Gly; replaces aspartic acid 140 with glycine.
Molecular consequence: missense variant. On other transcripts: non-coding transcript variant (2).
Genome position (GRCh38, 1-based): chr2:232,087,539, A>G. VCF-style: chr2-232087539-A-G. GRCh37 (hg19) VCF-style: chr2-232952249-A-G.
Other names: c.419A>G, p.Asp140Gly (NM_001257281.2, NM_001257282.2); short protein forms D140G.
Identifiers: ClinVar variation 531912 (VCV000531912.11), dbSNP rs367831290, ClinGen allele CA2163825.